The following is an entry in ClinVar:

NM_001394062.1(MACF1):c.16037A>T (p.Asp5346Val)

Gene: MACF1 (microtubule actin crosslinking factor 1; plus strand). Cytogenetic location: 1p34.3.
Variant type: single nucleotide variant.
Coding change: c.16037A>T on transcript NM_001394062.1 (MANE Select); coding-DNA position 16037, A replaced by T.
Protein change: p.Asp5346Val; replaces aspartic acid 5346 with valine.
Molecular consequence: missense variant.
Genome position (GRCh38, 1-based): chr1:39,422,788, A>T. VCF-style: chr1-39422788-A-T. GRCh37 (hg19) VCF-style: chr1-39888460-A-T.
Other names: c.4433A>T, p.Asp1478Val (NM_001397473.1); c.9851A>T, p.Asp3284Val (NM_012090.5); short protein forms D1478V, D3284V, D5346V.
Identifiers: ClinVar variation 3361366 (VCV003361366.1).

ClinVar aggregate classification (germline): Uncertain significance (1 of 4 stars; one submission).

Submission:

GeneDx
Classification: Uncertain significance. Last evaluated: 2023-07-21. Review status: criteria provided, single submitter. Criteria: GeneDx Variant Classification Process June 2021. Collection method: clinical testing. Allele origin: germline. Affected: yes.
Comment: Not observed at significant frequency in large population cohorts (gnomAD); In silico analysis supports that this missense variant has a deleterious effect on protein structure/function; Has not been previously published as pathogenic or benign to our knowledge